The following is an entry in ClinVar:

NM_003072.5(SMARCA4):c.3235T>G (p.Ser1079Ala)

Gene: SMARCA4 (SWI/SNF related BAF chromatin remodeling complex subunit ATPase 4; plus strand). Cytogenetic location: 19p13.2.
Variant type: single nucleotide variant.
Coding change: c.3235T>G on transcript NM_003072.5 (MANE Select); coding-DNA position 3235, T replaced by G.
Protein change: p.Ser1079Ala; replaces serine 1079 with alanine.
Molecular consequence: missense variant. On other transcripts: non-coding transcript variant (1).
Genome position (GRCh38, 1-based): chr19:11,027,803, T>G. VCF-style: chr19-11027803-T-G. GRCh37 (hg19) VCF-style: chr19-11138479-T-G.
Other names: c.3235T>G, p.Ser1079Ala (NM_001128844.3, NM_001128845.2, NM_001128846.2 and 6 more transcripts); short protein forms S1079A.
Identifiers: ClinVar variation 4549372 (VCV004549372.1).

ClinVar aggregate classification (germline): Uncertain significance (1 of 4 stars; one submission).

Conditions:
Hereditary cancer-predisposing syndrome. Also called: Tumor predisposition; Hereditary Cancer Syndrome; Hereditary neoplastic syndrome; Neoplastic Syndromes, Hereditary. Identifiers: Orphanet 140162, MedGen C0027672, MeSH D009386, MONDO:0015356.

gnomAD v4.1: 1 of 1,614,082 alleles (0.000062%); highest among the groups gnomAD compares: Non-Finnish European, 0.000085%; no homozygotes.

Submission:

Ambry Genetics
Classification: Uncertain significance for Hereditary cancer-predisposing syndrome. Last evaluated: 2025-10-14. Review status: criteria provided, single submitter. Criteria: Ambry Variant Classification Scheme 2023. Collection method: clinical testing. Allele origin: germline.
Comment: The p.S1079A variant (also known as c.3235T>G), located in coding exon 23 of the SMARCA4 gene, results from a T to G substitution at nucleotide position 3235. The serine at codon 1079 is replaced by alanine, an amino acid with similar properties. This amino acid position is conserved. In addition, the in silico prediction for this alteration is inconclusive. Based on the available evidence, the clinical significance of this variant remains unclear.